The following is an entry in ClinVar:

ClinVar aggregate classification (germline): Pathogenic. Review status: criteria provided, multiple submitters, no conflicts (2 of 4 stars). 7 submissions from 7 submitters: Pathogenic (7). Last evaluated 2025-11-05.

Conditions:
Galactosemia. Also called: Galactose intolerance. Identifiers: Orphanet 352, MedGen C0016952, MONDO:0018116, HP:0004919. Disease mechanism: loss of function.
Deficiency of UDPglucose-hexose-1-phosphate uridylyltransferase. Also called: GALT deficiency; Galactosemia, classic; GALACTOSE-1-PHOSPHATE URIDYLYLTRANSFERASE DEFICIENCY; Transferase Deficiency Galactosemia; GALACTOSEMIA I. Identifiers: Orphanet 352, Orphanet 79239, MedGen C0268151, MONDO:0009258, OMIM 230400.

Allele frequency attached by ClinVar (database versions not stated): TOPMed 0.00001.

Submissions (7):

Natera, Inc.
Classification: Pathogenic for Galactosemia. Last evaluated: 2025-11-05. Review status: criteria provided, single submitter. Criteria: Natera Variant Classification Schema (03/2026). Collection method: clinical testing. Allele origin: germline.
Comment: The c.367C>T variant in GALT is a nonsense variant predicted to introduce a stop codon at amino acid 123. This variant is expected to result in nonsense mediated decay, truncation, or a dysfunctional protein product. This variant is rare in the general population with a frequency below the threshold expected for the associated phenotype(s). This variant has been observed in one or more individuals affected with the associated recessive disease, as either homozygous or compound heterozygous with a second variant (PMID: 22944367). Given the available evidence, this variant is classified as Pathogenic.

Labcorp Genetics (formerly Invitae), Labcorp
Classification: Pathogenic for Deficiency of UDPglucose-hexose-1-phosphate uridylyltransferase. Last evaluated: 2023-10-26. Review status: criteria provided, single submitter. Criteria: Invitae Variant Classification Sherloc (09022015). Collection method: clinical testing. Allele origin: germline.
Comment: This sequence change creates a premature translational stop signal (p.Arg123*) in the GALT gene. It is expected to result in an absent or disrupted protein product. Loss-of-function variants in GALT are known to be pathogenic (PMID: 22944367). This variant is not present in population databases (gnomAD no frequency). This premature translational stop signal has been observed in individuals with galactosemia (PMID: 22944367, 29252199). ClinVar contains an entry for this variant (Variation ID: 203734). For these reasons, this variant has been classified as Pathogenic.

Baylor Genetics
Classification: Pathogenic for Deficiency of UDPglucose-hexose-1-phosphate uridylyltransferase. Last evaluated: 2023-08-17. Review status: criteria provided, single submitter. Criteria: ACMG Guidelines, 2015. Collection method: clinical testing. Allele origin: unknown.

Department of Pathology and Laboratory Medicine, Sinai Health System
Classification: Pathogenic for Deficiency of UDPglucose-hexose-1-phosphate uridylyltransferase. Last evaluated: 2023-02-06. Review status: criteria provided, single submitter. Criteria: ACMG Guidelines, 2015. Collection method: research. Allele origin: germline.

Women's Health and Genetics/Laboratory Corporation of America, LabCorp
Classification: Pathogenic for Deficiency of UDPglucose-hexose-1-phosphate uridylyltransferase. Last evaluated: 2021-03-22. Review status: criteria provided, single submitter. Criteria: LabCorp Variant Classification Summary - May 2015. Collection method: clinical testing. Allele origin: germline.
Comment: Variant summary: GALT c.367C>T (p.Arg123X) results in a premature termination codon, predicted to cause a truncation of the encoded protein or absence of the protein due to nonsense mediated decay, which are commonly known mechanisms for disease. Truncations downstream of this position have been classified as pathogenic by our laboratory. The variant was absent in 251576 control chromosomes (gnomAD and publication data). c.367C>T has been reported in the literature in multiple individuals affected with Galactosemia, including one homozygote (Boutron_2012, Ramadza_2018). These data indicate that the variant is very likely to be associated with disease. To our knowledge, no experimental evidence demonstrating an impact on protein function has been reported. Three ClinVar submitters (evaluation after 2014) cite the variant as pathogenic. Based on the evidence outlined above, the variant was classified as pathogenic.

Eurofins Ntd Llc (ga)
Classification: Pathogenic. Last evaluated: 2018-07-13. Review status: criteria provided, single submitter. Criteria: EGL ClinVar v180209 classification definitions. Collection method: clinical testing. Allele origin: germline. Observed: 3 variant alleles, 3 heterozygotes.

Juno Genomics, Hangzhou Juno Genomics, Inc
Classification: Pathogenic for Deficiency of UDPglucose-hexose-1-phosphate uridylyltransferase. Review status: criteria provided, single submitter. Criteria: ACMG Guidelines, 2015. Collection method: clinical testing. Allele origin: germline.
Comment: Absent from controls (or at extremely low frequency if recessive) in Genome Aggregation Database.;Null variant in a gene where loss of function (LOF) is a known mechanism of disease.;For recessive disorders, detected in trans with a pathogenic variant.

Literature cited by the submitters: PubMed 22944367 (cited by 4 submitters); PubMed 29252199 (cited by 3 submitters); PubMed 31194682 (cited by Women's Health and Genetics/Laboratory Corporation of America, LabCorp).

NM_000155.4(GALT):c.367C>T (p.Arg123Ter)

Gene: GALT (galactose-1-phosphate uridylyltransferase; plus strand). Cytogenetic location: 9p13.3.
Variant type: single nucleotide variant.
Coding change: c.367C>T on transcript NM_000155.4 (MANE Select); coding-DNA position 367, C replaced by T.
Protein change: p.Arg123Ter; replaces arginine 123 with a stop codon.
Molecular consequence: nonsense. On other transcripts: intron variant (1).
Genome position (GRCh38, 1-based): chr9:34,647,695, C>T. VCF-style: chr9-34647695-C-T. GRCh37 (hg19) VCF-style: chr9-34647692-C-T.
Other names: c.51-137C>T (NM_001258332.2); short protein forms R123*.
Identifiers: ClinVar variation 203734 (VCV000203734.18), dbSNP rs111033674, ClinGen allele CA312563.